The following is an entry in ClinVar:

NC_000013.11:g.48303703G>A

Gene: RB1 (RB transcriptional corepressor 1; plus strand). Cytogenetic location: 13q14.2.
Variant type: single nucleotide variant.
Genome position: GRCh38 VCF-style: chr13-48303703-G-A. GRCh37 (hg19) VCF-style: chr13-48877839-G-A.
Identifiers: ClinVar variation 3713485 (VCV003713485.2).

ClinVar aggregate classification (germline): Uncertain significance (1 of 4 stars; one submission).

Conditions:
Retinoblastoma (RB1). Also called: RETINOBLASTOMA, SOMATIC. Identifiers: Orphanet 790, MedGen C0035335, MeSH D012175, MONDO:0008380, OMIM 180200, HP:0009919. Disease mechanism: loss of function. Inheritance: Both sporadic and heritable forms are tested..

Submission:

Labcorp Genetics (formerly Invitae), Labcorp
Classification: Uncertain significance for Retinoblastoma. Last evaluated: 2025-01-12. Review status: criteria provided, single submitter. Criteria: Invitae Variant Classification Sherloc (09022015). Collection method: clinical testing. Allele origin: germline.
Comment: This variant occurs in a non-coding region of the RB1 gene. It does not change the encoded amino acid sequence of the RB1 protein. This variant is not present in population databases (gnomAD no frequency). This variant has not been reported in the literature in individuals affected with RB1-related conditions. Experimental studies and prediction algorithms are not available or were not evaluated, and the functional significance of this variant is currently unknown. In summary, the available evidence is currently insufficient to determine the role of this variant in disease. Therefore, it has been classified as a Variant of Uncertain Significance.